The following is an entry in ClinVar:

NM_000057.4(BLM):c.3859G>C (p.Glu1287Gln)

Gene: BLM (BLM RecQ like helicase; plus strand). Cytogenetic location: 15q26.1.
Variant type: single nucleotide variant.
Coding change: c.3859G>C on transcript NM_000057.4 (MANE Select); coding-DNA position 3859, G replaced by C.
Protein change: p.Glu1287Gln; replaces glutamic acid 1287 with glutamine.
Molecular consequence: missense variant.
Genome position (GRCh38, 1-based): chr15:90,809,244, G>C. VCF-style: chr15-90809244-G-C. GRCh37 (hg19) VCF-style: chr15-91352474-G-C.
Other names: c.3859G>C, p.Glu1287Gln (NM_001287246.2); c.3466G>C, p.Glu1156Gln (NM_001287247.2); c.2734G>C, p.Glu912Gln (NM_001287248.2); short protein forms E1156Q, E912Q, E1287Q.
Identifiers: ClinVar variation 2738986 (VCV002738986.3), dbSNP rs2505561874, ClinGen allele CA393849819.

ClinVar aggregate classification (germline): Uncertain significance (1 of 4 stars; one submission).

Conditions:
Bloom syndrome (BLM). Also called: Bloom-Torre-Machacek syndrome. Identifiers: Orphanet 125, MedGen C0005859, MONDO:0008876, OMIM 210900.

Submission:

Labcorp Genetics (formerly Invitae), Labcorp
Classification: Uncertain significance for Bloom syndrome. Last evaluated: 2023-07-08. Review status: criteria provided, single submitter. Criteria: Invitae Variant Classification Sherloc (09022015). Collection method: clinical testing. Allele origin: germline.
Comment: This variant is not present in population databases (gnomAD no frequency). This sequence change replaces glutamic acid, which is acidic and polar, with glutamine, which is neutral and polar, at codon 1287 of the BLM protein (p.Glu1287Gln). This variant has not been reported in the literature in individuals affected with BLM-related conditions. Advanced modeling of protein sequence and biophysical properties (such as structural, functional, and spatial information, amino acid conservation, physicochemical variation, residue mobility, and thermodynamic stability) performed at Invitae indicates that this missense variant is not expected to disrupt BLM protein function. In summary, the available evidence is currently insufficient to determine the role of this variant in disease. Therefore, it has been classified as a Variant of Uncertain Significance.